The following is an entry in ClinVar:

NM_001082486.2(ACD):c.800C>T (p.Ala267Val)

Gene: ACD (ACD shelterin complex subunit and telomerase recruitment factor; minus strand). Cytogenetic location: 16q22.1.
Variant type: single nucleotide variant.
Coding change: c.800C>T on transcript NM_001082486.2 (MANE Select); coding-DNA position 800, C replaced by T.
Protein change: p.Ala267Val; replaces alanine 267 with valine.
Molecular consequence: missense variant.
Genome position (GRCh38, 1-based): chr16:67,658,584, G>A on the plus strand (C>T on the coding strand, the complement: ACD is on the minus strand). VCF-style: chr16-67658584-G-A. GRCh37 (hg19) VCF-style: chr16-67692487-G-A.
Other names: c.791C>T, p.Ala264Val (NM_022914.3); short protein forms A264V, A267V.
Identifiers: ClinVar variation 2309445 (VCV002309445.2), dbSNP rs2543601195, ClinGen allele CA396353201.

ClinVar aggregate classification (germline): Uncertain significance (1 of 4 stars; one submission).

Conditions:
Inborn genetic diseases. Identifiers: MedGen C0950123, MeSH D030342.

Allele frequency attached by ClinVar (database versions not stated): gnomAD exomes below 0.00001.

Submission:

Ambry Genetics
Classification: Uncertain significance for Inborn genetic diseases. Last evaluated: 2023-01-12. Review status: criteria provided, single submitter. Criteria: Ambry Variant Classification Scheme 2023. Collection method: clinical testing. Allele origin: germline.
Comment: The p.A353V variant (also known as c.1058C>T), located in coding exon 9 of the ACD gene, results from a C to T substitution at nucleotide position 1058. The alanine at codon 353 is replaced by valine, an amino acid with similar properties. This amino acid position is conserved. In addition, this alteration is predicted to be tolerated by in silico analysis. Since supporting evidence is limited at this time, the clinical significance of this alteration remains unclear.